The following is an entry in ClinVar:

NM_015189.3(EXOC6B):c.2041C>T (p.Gln681Ter)

Gene: EXOC6B (exocyst complex component 6B; minus strand). Cytogenetic location: 2p13.2.
Variant type: single nucleotide variant.
Coding change: c.2041C>T on transcript NM_015189.3 (MANE Select); coding-DNA position 2041, C replaced by T.
Protein change: p.Gln681Ter; replaces glutamine 681 with a stop codon.
Molecular consequence: nonsense. On other transcripts: non-coding transcript variant (1).
Genome position (GRCh38, 1-based): chr2:72,379,810, G>A on the plus strand (C>T on the coding strand, the complement: EXOC6B is on the minus strand). VCF-style: chr2-72379810-G-A. GRCh37 (hg19) VCF-style: chr2-72606939-G-A.
Other names: c.2041C>T, p.Gln681Ter (NM_001321729.2, NM_001321731.2); c.1906C>T, p.Gln636Ter (NM_001321730.2, NM_001321733.2); c.1702C>T, p.Gln568Ter (NM_001321734.2); short protein forms Q636*, Q681*, Q568*.
Identifiers: ClinVar variation 3669490 (VCV003669490.2).

ClinVar aggregate classification (germline): Pathogenic (1 of 4 stars; one submission).

Submission:

Labcorp Genetics (formerly Invitae), Labcorp
Classification: Pathogenic. Last evaluated: 2024-02-02. Review status: criteria provided, single submitter. Criteria: Invitae Variant Classification Sherloc (09022015). Collection method: clinical testing. Allele origin: germline.
Comment: This sequence change creates a premature translational stop signal (p.Gln681*) in the EXOC6B gene. It is expected to result in an absent or disrupted protein product. Loss-of-function variants in EXOC6B are known to be pathogenic (PMID: 26669664, 36150098). This variant is not present in population databases (gnomAD no frequency). This variant has not been reported in the literature in individuals affected with EXOC6B-related conditions. For these reasons, this variant has been classified as Pathogenic.

Literature cited by the submitters: PubMed 26669664; PubMed 36150098.